The following is an entry in ClinVar:

NM_000136.3(FANCC):c.140_143dup (p.Met48fs)

Gene: FANCC (FA complementation group C; minus strand). Cytogenetic location: 9q22.32.
Variant type: Duplication.
Coding change: c.140_143dup on transcript NM_000136.3 (MANE Select); coding-DNA positions 140 to 143, 4 bases duplicated (AGAT; older notation c.140_143dupAGAT).
Protein change: p.Met48fs; shifts the reading frame from methionine 48.
Molecular consequence: frameshift variant.
Genome position (GRCh38, 1-based): chr9:95,249,149-95,249,152, ATCT duplicated on the plus strand (AGAT on the coding strand, the reverse complement: FANCC is on the minus strand). VCF-style (leftmost placement, unchanged base first): chr9-95249148-C-CATCT. GRCh37 (hg19) VCF-style: chr9-98011430-C-CATCT.
Other names: c.140_143dup, p.Met48fs (NM_001243743.2, NM_001243744.2); short protein forms M48fs.
Identifiers: ClinVar variation 850204 (VCV000850204.8), dbSNP rs1831171802, ClinGen allele CA916081544.

ClinVar aggregate classification (germline): Pathogenic (1 of 4 stars; one submission).

Conditions:
Fanconi anemia (FA). Also called: Fanconi's anemia. Identifiers: Orphanet 84, MedGen C0015625, MeSH D005199, MONDO:0019391.

Submission:

Labcorp Genetics (formerly Invitae), Labcorp
Classification: Pathogenic for Fanconi anemia. Last evaluated: 2019-12-12. Review status: criteria provided, single submitter. Criteria: Invitae Variant Classification Sherloc (09022015). Collection method: clinical testing. Allele origin: germline.
Comment: Algorithms developed to predict the effect of sequence changes on RNA splicing suggest that this variant may create or strengthen a splice site, but this prediction has not been confirmed by published transcriptional studies. This variant has not been reported in the literature in individuals with FANCC-related conditions. This variant is not present in population databases (ExAC no frequency). This sequence change creates a premature translational stop signal (p.Met48Ilefs*4) in the FANCC gene. It is expected to result in an absent or disrupted protein product. Loss-of-function variants in FANCC are known to be pathogenic (PMID: 17924555). For these reasons, this variant has been classified as Pathogenic.

Literature cited by the submitters: PubMed 17924555.